The following is an entry in ClinVar:

ClinVar aggregate classification (germline): Uncertain significance (1 of 4 stars; one submission).

Conditions:
Melanoma, cutaneous malignant, susceptibility to, 5. Also called: Cutaneous malignant melanoma 5. Identifiers: Orphanet 618, MedGen C2751295, MONDO:0013133, OMIM 613099.

Submission:

Labcorp Genetics (formerly Invitae), Labcorp
Classification: Uncertain significance for Melanoma, cutaneous malignant, susceptibility to, 5. Last evaluated: 2021-06-23. Review status: criteria provided, single submitter. Criteria: Invitae Variant Classification Sherloc (09022015). Collection method: clinical testing. Allele origin: germline.
Comment: In summary, the available evidence is currently insufficient to determine the role of this variant in disease. Therefore, it has been classified as a Variant of Uncertain Significance. Algorithms developed to predict the effect of missense changes on protein structure and function (SIFT, PolyPhen-2, Align-GVGD) all suggest that this variant is likely to be disruptive, but these predictions have not been confirmed by published functional studies and their clinical significance is uncertain. This variant has not been reported in the literature in individuals with MC1R-related conditions. This variant is not present in population databases (ExAC no frequency). This sequence change replaces valine with leucine at codon 59 of the MC1R protein (p.Val59Leu). The valine residue is highly conserved and there is a small physicochemical difference between valine and leucine.

NM_002386.4(MC1R):c.175G>T (p.Val59Leu)

Gene: MC1R (melanocortin 1 receptor; plus strand). Cytogenetic location: 16q24.3.
Variant type: single nucleotide variant.
Coding change: c.175G>T on transcript NM_002386.4 (MANE Select); coding-DNA position 175, G replaced by T.
Protein change: p.Val59Leu; replaces valine 59 with leucine.
Molecular consequence: missense variant.
Genome position (GRCh38, 1-based): chr16:89,919,433, G>T. VCF-style: chr16-89919433-G-T. GRCh37 (hg19) VCF-style: chr16-89985841-G-T.
Other names: short protein forms V59L.
Identifiers: ClinVar variation 1475283 (VCV001475283.8), dbSNP rs1410281892, ClinGen allele CA397459722.